The following is an entry in ClinVar:

ClinVar aggregate classification (germline): Uncertain significance (1 of 4 stars; one submission).

Conditions:
Idiopathic generalized epilepsy. Also called: Generalised epilepsy; EIG. Identifiers: MedGen C0270850, MONDO:0005579, OMIM 600669.

Submission:

Labcorp Genetics (formerly Invitae), Labcorp
Classification: Uncertain significance for Idiopathic generalized epilepsy. Last evaluated: 2022-08-16. Review status: criteria provided, single submitter. Criteria: Invitae Variant Classification Sherloc (09022015). Collection method: clinical testing. Allele origin: germline.
Comment: In summary, the available evidence is currently insufficient to determine the role of this variant in disease. Therefore, it has been classified as a Variant of Uncertain Significance. This sequence change replaces isoleucine, which is neutral and non-polar, with threonine, which is neutral and polar, at codon 309 of the RBFOX3 protein (p.Ile309Thr). This variant is not present in population databases (gnomAD no frequency). This variant has not been reported in the literature in individuals affected with RBFOX3-related conditions. Algorithms developed to predict the effect of missense changes on protein structure and function (SIFT, PolyPhen-2, Align-GVGD) all suggest that this variant is likely to be tolerated.

NM_001350451.2(RBFOX3):c.1067T>C (p.Ile356Thr)

Gene: RBFOX3 (RNA binding fox-1 homolog 3; minus strand). Cytogenetic location: 17q25.3.
Variant type: single nucleotide variant.
Coding change: c.1067T>C on transcript NM_001350451.2 (MANE Select); coding-DNA position 1067, T replaced by C.
Protein change: p.Ile356Thr; replaces isoleucine 356 with threonine.
Molecular consequence: missense variant.
Genome position (GRCh38, 1-based): chr17:79,094,461, A>G on the plus strand (T>C on the coding strand, the complement: RBFOX3 is on the minus strand). VCF-style: chr17-79094461-A-G. GRCh37 (hg19) VCF-style: chr17-77090543-A-G.
Other names: c.1067T>C, p.Ile356Thr (NM_001385811.1, NM_001385812.1, NM_001385813.1 and 14 more transcripts); c.1064T>C, p.Ile355Thr (NM_001385823.1, NM_001385822.1, NM_001385806.1); c.974T>C, p.Ile325Thr (NM_001385824.1); c.926T>C, p.Ile309Thr (NM_001385825.1, NM_001385838.1, NM_001385839.1 and 16 more transcripts); c.947T>C, p.Ile316Thr (NM_001385827.1); c.923T>C, p.Ile308Thr (NM_001385843.1, NM_001385844.1, NM_001385845.1 and 1 more transcripts); c.779T>C, p.Ile260Thr (NM_001385847.1); short protein forms I308T, I356T, I325T, I260T, I309T, I316T, I355T.
Identifiers: ClinVar variation 2161742 (VCV002161742.4), dbSNP rs2510048344, ClinGen allele CA401315629.